The following is an entry in ClinVar:

NM_007294.4(BRCA1):c.1258_1265del (p.Asp420fs)

Gene: BRCA1 (BRCA1 DNA repair associated; minus strand). Cytogenetic location: 17q21.31.
Variant type: Deletion.
Coding change: c.1258_1265del on transcript NM_007294.4 (MANE Select); coding-DNA positions 1258 to 1265, 8 bases deleted (GATGAATA; older notation c.1258_1265delGATGAATA).
Protein change: p.Asp420fs; shifts the reading frame from aspartic acid 420.
Molecular consequence: frameshift variant. On other transcripts: intron variant (137).
Genome position (GRCh38, 1-based): chr17:43,094,266-43,094,273, TATTCATC deleted on the plus strand (GATGAATA on the coding strand, the reverse complement: BRCA1 is on the minus strand); deleting any 8 consecutive bases within chr17:43,094,266-43,094,275 gives the same sequence; the c. name uses the placement nearest the transcript's 3' end. VCF-style (leftmost placement, unchanged base first): chr17-43094265-ATATTCATC-A. GRCh37 (hg19) VCF-style: chr17-41246282-ATATTCATC-A.
Other names: c.661+471_661+478del (NM_001408434.1, NM_001408447.1, NM_001408433.1 and 6 more transcripts); c.784+471_784+478del (NM_001408398.1, NM_001407992.1, NM_001408400.1 and 13 more transcripts); c.664+471_664+478del (NM_001408440.1, NM_001408428.1, NM_001408441.1 and 12 more transcripts); c.670+1573_670+1580del (NM_001408418.1, NM_001408423.1, NM_001408420.1 and 2 more transcripts); c.787+471_787+478del (NM_001407981.1, NM_007298.4, NM_001407978.1 and 19 more transcripts); c.643+471_643+478del (NM_001408462.1, NM_001408470.1, NM_001408464.1 and 3 more transcripts); c.709+471_709+478del (NM_001408414.1, NM_001408411.1, NM_001408415.1 and 2 more transcripts); c.577+471_577+478del (NM_001408514.1, NM_001408485.1, NM_001408483.1 and 9 more transcripts); and 40 more; short protein forms D373fs, D420fs, D332fs, D349fs, D352fs, D393fs, D394fs, D417fs.
Identifiers: ClinVar variation 2101155 (VCV002101155.4), dbSNP rs2552218418, ClinGen allele CA2580093897.

ClinVar aggregate classification (germline): Pathogenic (1 of 4 stars; one submission).

Conditions:
Hereditary breast ovarian cancer syndrome. Also called: Hereditary breast and ovarian cancer; Hereditary breast and ovarian cancer syndrome; Breast and ovarian cancer; BRCA1- and BRCA2-Associated Hereditary Breast and Ovarian Cancer; Hereditary breast and/or ovarian cancer syndrome; Hereditary breast and ovarian cancer syndrome (HBOC). Identifiers: Orphanet 145, MedGen C0677776, MeSH D061325, MONDO:0003582. Disease mechanism: loss of function.

Submission:

Labcorp Genetics (formerly Invitae), Labcorp
Classification: Pathogenic for Hereditary breast ovarian cancer syndrome. Last evaluated: 2023-10-25. Review status: criteria provided, single submitter. Criteria: Invitae Variant Classification Sherloc (09022015). Collection method: clinical testing. Allele origin: germline.
Comment: This sequence change creates a premature translational stop signal (p.Asp420Phefs*13) in the BRCA1 gene. It is expected to result in an absent or disrupted protein product. Loss-of-function variants in BRCA1 are known to be pathogenic (PMID: 20104584). This variant is not present in population databases (gnomAD no frequency). This variant has not been reported in the literature in individuals affected with BRCA1-related conditions. ClinVar contains an entry for this variant (Variation ID: 2101155). For these reasons, this variant has been classified as Pathogenic.

Literature cited by the submitters: PubMed 20104584.